The following is an entry in ClinVar:

NM_001985.3(ETFB):c.58-96G>A

Gene: ETFB (electron transfer flavoprotein subunit beta; minus strand). Cytogenetic location: 19q13.41.
Variant type: single nucleotide variant.
Coding change: c.58-96G>A on transcript NM_001985.3 (MANE Select); 96 bases into the intron before coding-DNA position 58, G replaced by A.
Molecular consequence: intron variant. On other transcripts: missense variant (1).
Genome position (GRCh38, 1-based): chr19:51,354,404, C>T on the plus strand (G>A on the coding strand, the complement: ETFB is on the minus strand). VCF-style: chr19-51354404-C-T. GRCh37 (hg19) VCF-style: chr19-51857658-C-T.
Other names: p.V79I:GTT>ATT; c.235G>A, p.Val79Ile (NM_001014763.1); short protein forms V79I.
Identifiers: ClinVar variation 137229 (VCV000137229.53), dbSNP rs140608276, ClinGen allele CA290767.
Genomic context (GRCh38, chr19:51,354,404, plus strand): 5'-GAAACAGGCAAGAAGGTGGGGGCCTCAGCGCCAACCCTCTCCCAGGCTGGATGAGGACAA[C>T]GACAGCCTGGAAAGGGGCAGGGCCTTGTCCGGGGTCACACAGCTCCAGGGACAGAACTGG-3'

ClinVar aggregate classification (germline): Benign/Likely benign. Review status: criteria provided, multiple submitters, no conflicts (2 of 4 stars). 8 submissions from 8 submitters: Benign (3); Likely benign (4). 1 of the submissions does not count toward it. Last evaluated 2026-08-01.

Conditions:
ETFB-related disorder. Also called: ETFB-related condition.
Multiple acyl-CoA dehydrogenase deficiency (MADD). Also called: ETHYLMALONIC-ADIPICACIDURIA; GA II; Glutaric acidemia type II; GA 2; Glutaric aciduria, type 2; Glutaric Acidemia type 2. Identifiers: Orphanet 26791, MedGen C0268596, MONDO:0009282, OMIM 231680.

Allele frequency attached by ClinVar (database versions not stated): 1000 Genomes Project 30x 0.00109; 1000 Genomes Project 0.00120; ESP Exome Variant Server 0.00254; TOPMed 0.00337; gnomAD 0.00365 and 0.00376; gnomAD exomes 0.00451; ExAC 0.00513.
gnomAD v4.1: 7,525 of 1,613,986 alleles (0.47%); highest among the groups gnomAD compares: Non-Finnish European, 0.53%; 27 homozygotes.

Submissions (8):

CeGaT Center for Human Genetics Tuebingen
Classification: Likely benign. Last evaluated: 2026-08-01. Review status: criteria provided, single submitter. Criteria: CeGaT Center For Human Genetics Tuebingen Variant Classification Criteria Version 2. Collection method: clinical testing. Allele origin: germline. Affected: yes. Observed: 15 variant alleles.
Comment: ETFB: BP4, BS2

Blueprint Genetics
Classification: Likely benign. Last evaluated: 2024-11-28. Review status: criteria provided, single submitter. Criteria: ACMG Guidelines, 2015. Collection method: clinical testing. Allele origin: germline.

Labcorp Genetics (formerly Invitae), Labcorp
Classification: Benign for Multiple acyl-CoA dehydrogenase deficiency. Last evaluated: 2024-08-05. Review status: criteria provided, single submitter. Criteria: Invitae Variant Classification Sherloc (09022015). Collection method: clinical testing. Allele origin: germline.

Fulgent Genetics
Classification: Likely benign for Multiple acyl-CoA dehydrogenase deficiency. Last evaluated: 2021-07-19. Review status: criteria provided, single submitter. Criteria: ACMG Guidelines, 2015. Collection method: clinical testing. Allele origin: unknown.

Center for Pediatric Genomic Medicine, Children's Mercy Hospital and Clinics
Classification: Benign. Last evaluated: 2015-08-19. Review status: criteria provided, single submitter. Criteria: ACMG Guidelines, 2015. Collection method: clinical testing. Allele origin: germline.

GeneDx
Classification: Benign. Last evaluated: 2013-07-25. Review status: criteria provided, single submitter. Criteria: GeneDx Variant Classification (06012015). Collection method: clinical testing. Allele origin: germline. Affected: yes.
Comment: This variant is considered likely benign or benign based on one or more of the following criteria: it is a conservative change, it occurs at a poorly conserved position in the protein, it is predicted to be benign by multiple in silico algorithms, and/or has population frequency not consistent with disease.

Breakthrough Genomics
Classification: Likely benign. Review status: criteria provided, single submitter. Criteria: ACMG Guidelines, 2015. Collection method: not provided. Allele origin: germline. Inheritance: Autosomal recessive inheritance. Affected: yes.

PreventionGenetics, part of Exact Sciences
Classification: Benign for ETFB-related condition. Last evaluated: 2022-02-24. Review status: no assertion criteria provided. Collection method: clinical testing. Allele origin: germline. Not counted in ClinVar's aggregate classification.
Comment: This variant is classified as benign based on ACMG/AMP sequence variant interpretation guidelines (Richards et al. 2015 PMID: 25741868, with internal and published modifications).